The following is an entry in ClinVar:

NM_004104.5(FASN):c.7399G>A (p.Val2467Ile)

Gene: FASN (fatty acid synthase; minus strand). Cytogenetic location: 17q25.3.
Variant type: single nucleotide variant.
Coding change: c.7399G>A on transcript NM_004104.5 (MANE Select); coding-DNA position 7399, G replaced by A.
Protein change: p.Val2467Ile; replaces valine 2467 with isoleucine.
Molecular consequence: missense variant.
Genome position (GRCh38, 1-based): chr17:82,079,280, C>T on the plus strand (G>A on the coding strand, the complement: FASN is on the minus strand). VCF-style: chr17-82079280-C-T. GRCh37 (hg19) VCF-style: chr17-80037156-C-T.
Other names: short protein forms V2467I.
Identifiers: ClinVar variation 654131 (VCV000654131.8), dbSNP rs760070841, ClinGen allele CA8850994.

ClinVar aggregate classification (germline): Uncertain significance (1 of 4 stars; one submission).

Conditions:
Epileptic encephalopathy. Identifiers: MedGen C0543888, HP:0200134.

Allele frequency attached by ClinVar (database versions not stated): gnomAD exomes below 0.00001 and 0.00001; ExAC 0.00001; gnomAD 0.00001; TOPMed 0.00002.
gnomAD v4.1: 16 of 1,612,904 alleles (0.00099%); highest among the groups gnomAD compares: Admixed American, 0.0033%; no homozygotes.

Submission:

Labcorp Genetics (formerly Invitae), Labcorp
Classification: Uncertain significance for Epileptic encephalopathy. Last evaluated: 2023-09-17. Review status: criteria provided, single submitter. Criteria: Invitae Variant Classification Sherloc (09022015). Collection method: clinical testing. Allele origin: germline.
Comment: An algorithm developed to predict the effect of missense changes on protein structure and function (PolyPhen-2) suggests that this variant is likely to be disruptive. In summary, the available evidence is currently insufficient to determine the role of this variant in disease. Therefore, it has been classified as a Variant of Uncertain Significance. This variant has not been reported in the literature in individuals affected with FASN-related conditions. ClinVar contains an entry for this variant (Variation ID: 654131). This variant is present in population databases (rs760070841, gnomAD 0.0009%). This sequence change replaces valine, which is neutral and non-polar, with isoleucine, which is neutral and non-polar, at codon 2467 of the FASN protein (p.Val2467Ile).